The following is an entry in ClinVar:

NM_000252.3(MTM1):c.1204G>A (p.Gly402Arg)

Gene: MTM1 (myotubularin 1; plus strand). Cytogenetic location: Xq28.
Variant type: single nucleotide variant.
Coding change: c.1204G>A on transcript NM_000252.3 (MANE Select); coding-DNA position 1204, G replaced by A.
Protein change: p.Gly402Arg; replaces glycine 402 with arginine.
Molecular consequence: missense variant.
Genome position (GRCh38, 1-based): chrX:150,657,971, G>A. VCF-style: chrX-150657971-G-A. GRCh37 (hg19) VCF-style: chrX-149826444-G-A.
Other names: c.1204G>A, p.Gly402Arg (NM_001376906.1, NM_001376908.1); c.1093G>A, p.Gly365Arg (NM_001376907.1); short protein forms G402R, G365R.
Identifiers: ClinVar variation 577943 (VCV000577943.11), dbSNP rs1569565525, ClinGen allele CA415258747.

ClinVar aggregate classification (germline): Likely pathogenic (1 of 4 stars; one submission).

Conditions:
Severe X-linked myotubular myopathy (CNMX). Also called: MYOTUBULAR MYOPATHY 1; Myotubular myopathy, X-linked; X-linked centronuclear myopathy. Identifiers: Orphanet 596, MedGen C0410203, MONDO:0010683, OMIM 310400.

Submissions (2):

Labcorp Genetics (formerly Invitae), Labcorp
Classification: Likely pathogenic for Severe X-linked myotubular myopathy. Last evaluated: 2022-08-23. Review status: criteria provided, single submitter. Criteria: Invitae Variant Classification Sherloc (09022015). Collection method: clinical testing. Allele origin: germline.
Comment: Algorithms developed to predict the effect of sequence changes on RNA splicing suggest that this variant may create or strengthen a splice site. In summary, the currently available evidence indicates that the variant is pathogenic, but additional data are needed to prove that conclusively. Therefore, this variant has been classified as Likely Pathogenic. This variant disrupts the p.Gly402 amino acid residue in MTM1. Other variant(s) that disrupt this residue have been observed in individuals with MTM1-related conditions (PMID: 9305655, 9829274), which suggests that this may be a clinically significant amino acid residue. Advanced modeling of protein sequence and biophysical properties (such as structural, functional, and spatial information, amino acid conservation, physicochemical variation, residue mobility, and thermodynamic stability) performed at Invitae indicates that this missense variant is expected to disrupt MTM1 protein function. ClinVar contains an entry for this variant (Variation ID: 577943). This missense change has been observed in individuals with X-linked myotubular myopathy (XLMTM) (PMID: 10063835, 11793470, 12031625). This variant is not present in population databases (gnomAD no frequency). This sequence change replaces glycine, which is neutral and non-polar, with arginine, which is basic and polar, at codon 402 of the MTM1 protein (p.Gly402Arg).

Dr. Peter K. Rogan Lab, Western University
No classification provided (evidence only). Condition: Thyroid cancer, nonmedullary, 1. Review status: no classification provided. Collection method: in vitro. Allele origin: not applicable. Functional consequence: retained intron. Not counted in ClinVar's aggregate classification.

Literature cited by the submitters: PubMed 9305655 (cited by Labcorp Genetics (formerly Invitae), Labcorp); PubMed 9829274 (cited by Labcorp Genetics (formerly Invitae), Labcorp); PubMed 10063835 (cited by Labcorp Genetics (formerly Invitae), Labcorp); PubMed 11793470 (cited by Labcorp Genetics (formerly Invitae), Labcorp); PubMed 12031625 (cited by Labcorp Genetics (formerly Invitae), Labcorp).